The following is an entry in ClinVar:

ClinVar aggregate classification (germline): Uncertain significance (1 of 4 stars; one submission).

Submission:

Labcorp Genetics (formerly Invitae), Labcorp
Classification: Uncertain significance. Last evaluated: 2020-03-24. Review status: criteria provided, single submitter. Criteria: Invitae Variant Classification Sherloc (09022015). Collection method: clinical testing. Allele origin: germline.
Comment: In summary, the available evidence is currently insufficient to determine the role of this variant in disease. Therefore, it has been classified as a Variant of Uncertain Significance. Algorithms developed to predict the effect of missense changes on protein structure and function are either unavailable or do not agree on the potential impact of this missense change (SIFT: "Deleterious"; PolyPhen-2: "Benign"; Align-GVGD: "Class C0"). This variant has not been reported in the literature in individuals with CNGA3-related conditions. This variant is not present in population databases (ExAC no frequency). This sequence change replaces valine with methionine at codon 630 of the CNGA3 protein (p.Val630Met). The valine residue is highly conserved and there is a small physicochemical difference between valine and methionine.

NM_001298.3(CNGA3):c.1888G>A (p.Val630Met)

Gene: CNGA3 (cyclic nucleotide gated channel subunit alpha 3; plus strand). Cytogenetic location: 2q11.2.
Variant type: single nucleotide variant.
Coding change: c.1888G>A on transcript NM_001298.3 (MANE Select); coding-DNA position 1888, G replaced by A.
Protein change: p.Val630Met; replaces valine 630 with methionine.
Molecular consequence: missense variant.
Genome position (GRCh38, 1-based): chr2:98,397,058, G>A. VCF-style: chr2-98397058-G-A. GRCh37 (hg19) VCF-style: chr2-99013521-G-A.
Other names: c.1834G>A, p.Val612Met (NM_001079878.2); short protein forms V612M, V630M.
Identifiers: ClinVar variation 1058731 (VCV001058731.9), dbSNP rs766000572, ClinGen allele CA52636086.